The following is an entry in ClinVar:

NM_005534.4(IFNGR2):c.509C>T (p.Thr170Met)

Gene: IFNGR2 (interferon gamma receptor 2; plus strand). Cytogenetic location: 21q22.11.
Variant type: single nucleotide variant.
Coding change: c.509C>T on transcript NM_005534.4 (MANE Select); coding-DNA position 509, C replaced by T.
Protein change: p.Thr170Met; replaces threonine 170 with methionine.
Molecular consequence: missense variant.
Genome position (GRCh38, 1-based): chr21:33,426,980, C>T. VCF-style: chr21-33426980-C-T. GRCh37 (hg19) VCF-style: chr21-34799287-C-T.
Other names: c.566C>T, p.Thr189Met (NM_001329128.2); short protein forms T189M, T170M.
Identifiers: ClinVar variation 2197074 (VCV002197074.2), dbSNP rs142997921, ClinGen allele CA10006952.

ClinVar aggregate classification (germline): Conflicting classifications of pathogenicity. Review status: criteria provided, conflicting classifications (1 of 4 stars). 2 submissions from 2 submitters: Uncertain significance (1); Likely benign (1). Last evaluated 2025-11-13.

Conditions:
Inborn genetic diseases. Identifiers: MedGen C0950123, MeSH D030342.
Immunodeficiency 28 (IMD28). Also called: IFNGR2 DEFICIENCY. Identifiers: Orphanet 319547, Orphanet 319574, MedGen C4013947, MONDO:0013953, OMIM 614889.

Allele frequency attached by ClinVar (database versions not stated): ESP Exome Variant Server 0.00008; TOPMed 0.00006; gnomAD exomes 0.00003; ExAC 0.00003; gnomAD 0.00004.
gnomAD v4.1: 50 of 1,613,374 alleles (0.0031%); highest among the groups gnomAD compares: African/African-American, 0.011%; no homozygotes.

Submissions (2):

Ambry Genetics
Classification: Likely benign for Inborn genetic diseases. Last evaluated: 2025-11-13. Review status: criteria provided, single submitter. Criteria: Ambry Variant Classification Scheme 2023. Collection method: clinical testing. Allele origin: germline.

Labcorp Genetics (formerly Invitae), Labcorp
Classification: Uncertain significance for Immunodeficiency 28. Last evaluated: 2022-10-17. Review status: criteria provided, single submitter. Criteria: Invitae Variant Classification Sherloc (09022015). Collection method: clinical testing. Allele origin: germline.
Comment: This sequence change replaces threonine, which is neutral and polar, with methionine, which is neutral and non-polar, at codon 170 of the IFNGR2 protein (p.Thr170Met). This variant is present in population databases (rs142997921, gnomAD 0.02%). This variant has not been reported in the literature in individuals affected with IFNGR2-related conditions. Advanced modeling of protein sequence and biophysical properties (such as structural, functional, and spatial information, amino acid conservation, physicochemical variation, residue mobility, and thermodynamic stability) performed at Invitae indicates that this missense variant is not expected to disrupt IFNGR2 protein function. In summary, the available evidence is currently insufficient to determine the role of this variant in disease. Therefore, it has been classified as a Variant of Uncertain Significance.